The following is an entry in ClinVar:

ClinVar aggregate classification (germline): Uncertain significance (1 of 4 stars; one submission).

Conditions:
Kabuki syndrome. Also called: NIIKAWA-KUROKI SYNDROME; Kabuki make-up syndrome. Identifiers: Orphanet 2322, MedGen C0796004, MONDO:0016512.

Submission:

Labcorp Genetics (formerly Invitae), Labcorp
Classification: Uncertain significance for Kabuki syndrome. Last evaluated: 2022-10-04. Review status: criteria provided, single submitter. Criteria: Invitae Variant Classification Sherloc (09022015). Collection method: clinical testing. Allele origin: germline.
Comment: In summary, the available evidence is currently insufficient to determine the role of this variant in disease. Therefore, it has been classified as a Variant of Uncertain Significance. Algorithms developed to predict the effect of sequence changes on RNA splicing suggest that this variant may create or strengthen a splice site. Advanced modeling of protein sequence and biophysical properties (such as structural, functional, and spatial information, amino acid conservation, physicochemical variation, residue mobility, and thermodynamic stability) performed at Invitae indicates that this missense variant is not expected to disrupt KMT2D protein function. This variant has not been reported in the literature in individuals affected with KMT2D-related conditions. This variant is not present in population databases (gnomAD no frequency). This sequence change replaces glutamic acid, which is acidic and polar, with lysine, which is basic and polar, at codon 4816 of the KMT2D protein (p.Glu4816Lys).

NM_003482.4(KMT2D):c.14446G>A (p.Glu4816Lys)

Gene: KMT2D (lysine methyltransferase 2D; minus strand). Cytogenetic location: 12q13.12.
Variant type: single nucleotide variant.
Coding change: c.14446G>A on transcript NM_003482.4 (MANE Select); coding-DNA position 14446, G replaced by A.
Protein change: p.Glu4816Lys; replaces glutamic acid 4816 with lysine.
Molecular consequence: missense variant.
Genome position (GRCh38, 1-based): chr12:49,028,078, C>T on the plus strand (G>A on the coding strand, the complement: KMT2D is on the minus strand). VCF-style: chr12-49028078-C-T. GRCh37 (hg19) VCF-style: chr12-49421861-C-T.
Other names: short protein forms E4816K.
Identifiers: ClinVar variation 1968698 (VCV001968698.5), dbSNP rs1942699535, ClinGen allele CA384695197.